The following is an entry in ClinVar:

ClinVar aggregate classification (germline): Uncertain significance (1 of 4 stars; one submission).

Submission:

GeneDx
Classification: Uncertain significance. Last evaluated: 2024-06-10. Review status: criteria provided, single submitter. Criteria: GeneDx Variant Classification Process June 2021. Collection method: clinical testing. Allele origin: germline. Affected: yes.
Comment: Has not been previously published as pathogenic or benign to our knowledge; Not observed at significant frequency in large population cohorts (gnomAD); In silico analysis supports that this missense variant has a deleterious effect on protein structure/function

NM_001103.4(ACTN2):c.194A>G (p.Asp65Gly)

Gene: ACTN2 (actinin alpha 2; plus strand). Cytogenetic location: 1q43.
Variant type: single nucleotide variant.
Coding change: c.194A>G on transcript NM_001103.4 (MANE Select); coding-DNA position 194, A replaced by G.
Protein change: p.Asp65Gly; replaces aspartic acid 65 with glycine.
Molecular consequence: missense variant. On other transcripts: non-coding transcript variant (1).
Genome position (GRCh38, 1-based): chr1:236,717,925, A>G. VCF-style: chr1-236717925-A-G. GRCh37 (hg19) VCF-style: chr1-236881225-A-G.
Other names: c.194A>G, p.Asp65Gly (NM_001278343.2); short protein forms D65G.
Identifiers: ClinVar variation 3390774 (VCV003390774.1).
Genomic context (GRCh38, chr1:236,717,925, plus strand): 5'-CTGCCTGGTGTAACTCCCACCTAAGGAAAGCCGGCACCCAGATTGAGAACATCGAGGAAG[A>G]CTTCAGGAATGGCCTTAAGCTCATGCTGCTTTTGGAAGTCATCTCAGGTTGGTGTTATAT-3'
Protein context (NP_001094.1, residues 55-75): AGTQIENIEE[Asp65Gly]FRNGLKLMLL